The following is an entry in ClinVar:

NM_145698.5(ACBD5):c.365A>G (p.Glu122Gly)

Gene: ACBD5 (acyl-CoA binding domain containing 5; minus strand). Cytogenetic location: 10p12.1.
Variant type: single nucleotide variant.
Coding change: c.365A>G on transcript NM_145698.5 (MANE Select); coding-DNA position 365, A replaced by G.
Protein change: p.Glu122Gly; replaces glutamic acid 122 with glycine.
Molecular consequence: missense variant.
Genome position (GRCh38, 1-based): chr10:27,231,758, T>C on the plus strand (A>G on the coding strand, the complement: ACBD5 is on the minus strand). VCF-style: chr10-27231758-T-C. GRCh37 (hg19) VCF-style: chr10-27520687-T-C.
Other names: c.260A>G, p.Glu87Gly (NM_001042473.4, NM_001352574.2, NM_001352575.2 and 6 more transcripts); c.359A>G, p.Glu120Gly (NM_001271512.3, NM_001352571.1, NM_001352586.1 and 1 more transcripts); c.38A>G, p.Glu13Gly (NM_001301251.2, NM_001301252.2, NM_001301253.2 and 4 more transcripts); c.386A>G, p.Glu129Gly (NM_001352568.1, NM_001352572.1); c.365A>G, p.Glu122Gly (NM_001352569.1, NM_001352570.1, NM_001352573.1 and 2 more transcripts); short protein forms E129G, E87G, E13G, E120G, E122G.
Identifiers: ClinVar variation 1496745 (VCV001496745.8), dbSNP rs2138152056, ClinGen allele CA376377421.

ClinVar aggregate classification (germline): Uncertain significance (1 of 4 stars; one submission).

Submission:

Labcorp Genetics (formerly Invitae), Labcorp
Classification: Uncertain significance. Last evaluated: 2021-02-18. Review status: criteria provided, single submitter. Criteria: Invitae Variant Classification Sherloc (09022015). Collection method: clinical testing. Allele origin: germline.
Comment: Algorithms developed to predict the effect of missense changes on protein structure and function are either unavailable or do not agree on the potential impact of this missense change (SIFT: "Tolerated"; PolyPhen-2: "Probably Damaging"; Align-GVGD: "Class C0"). In summary, the available evidence is currently insufficient to determine the role of this variant in disease. Therefore, it has been classified as a Variant of Uncertain Significance. This variant has not been reported in the literature in individuals with ACBD5-related conditions. This variant is not present in population databases (ExAC no frequency). This sequence change replaces glutamic acid with glycine at codon 122 of the ACBD5 protein (p.Glu122Gly). The glutamic acid residue is moderately conserved and there is a moderate physicochemical difference between glutamic acid and glycine.